The following is an entry in ClinVar:

NM_001615.4(ACTG2):c.131T>A (p.Val44Glu)

Gene: ACTG2 (actin gamma 2, smooth muscle; plus strand). Cytogenetic location: 2p13.1.
Variant type: single nucleotide variant.
Coding change: c.131T>A on transcript NM_001615.4 (MANE Select); coding-DNA position 131, T replaced by A.
Protein change: p.Val44Glu; replaces valine 44 with glutamic acid.
Molecular consequence: missense variant. On other transcripts: intron variant (1).
Genome position (GRCh38, 1-based): chr2:73,902,364, T>A. VCF-style: chr2-73902364-T-A. GRCh37 (hg19) VCF-style: chr2-74129491-T-A.
Other names: c.126+927T>A (NM_001199893.2); short protein forms V44E.
Identifiers: ClinVar variation 2572538 (VCV002572538.1), dbSNP rs2466893600, ClinGen allele CA347302151.

ClinVar aggregate classification (germline): Uncertain significance (1 of 4 stars; one submission).

Conditions:
Megacystis-microcolon-intestinal hypoperistalsis syndrome 5. Identifiers: MedGen C5543636, MONDO:0030329, OMIM 619431.

Submission:

3billion
Classification: Uncertain significance for Megacystis-microcolon-intestinal hypoperistalsis syndrome 5. Review status: criteria provided, single submitter. Criteria: ACMG Guidelines, 2015. Collection method: clinical testing. Allele origin: unknown. Affected: yes. Observed: 1 heterozygote.
Comment: The variant is not observed in the gnomAD v2.1.1 dataset. Missense changes are a common disease-causing mechanism. In silico tool predictions suggest damaging effect of the variant on gene or gene product (REVEL: 0.92; 3Cnet: 0.68). A different missense change at the same codon (p.Val44Ala) has been reported to be associated with ACTG2 related disorder (PMID: 31769566). However the evidence of pathogenicity is insufficient at this time. Therefore, this variant is classified as Uncertain significance according to the recommendation of ACMG/AMP guideline.

Literature cited by the submitters: PubMed 31769566.